The following is an entry in ClinVar:

NC_012920.1(MT-TL2):m.12293G>A

Gene: MT-TL2 (mitochondrially encoded tRNA leucine 2 (CUN); plus strand).
Variant type: single nucleotide variant.
Genome position: chrM-12293-G-A.
Identifiers: ClinVar variation 690189 (VCV000690189.4), dbSNP rs1603223654, ClinGen allele CA913170010.

ClinVar aggregate classification (germline): Uncertain significance. Review status: criteria provided, single submitter (1 of 4 stars). 2 submissions from 2 submitters: Uncertain significance (1). 1 of the submissions does not count toward it. Last evaluated 2019-07-12.

Conditions:
Mitochondrial disease. Also called: Mitochondrial disorder; Mitochondrial disorders. Identifiers: Orphanet 68380, MedGen C0751651, MeSH D028361, MONDO:0044970.
MELAS syndrome (MELAS). Also called: Juvenile myopathy, encephalopathy, lactic acidosis, stroke. Identifiers: Orphanet 550, MedGen C0162671, MONDO:0010789, OMIM 540000.

Submissions (2):

Wong Mito Lab, Molecular and Human Genetics, Baylor College of Medicine
Classification: Uncertain significance for MELAS syndrome. Last evaluated: 2019-07-12. Review status: criteria provided, single submitter. Criteria: Modified ACMG Guidelines (Unpublished). Collection method: clinical testing. Allele origin: germline.
Comment: The NC_012920.1:m.12293G>A variant in MT-TL2 gene is interpreted to be a Unknown Significance variant based on the modified ACMG guidelines (unpublished). This variant meets the following evidence codes reported in the guidelines: PP3, PP6, BP5

Service de Génétique Médicale, Centre Hospitalier Universitaire de Nice-Université Côte d'Azur
Classification: Pathogenic for Mitochondrial disease. Last evaluated: 2019-10-01. Review status: no assertion criteria provided. Collection method: in vitro. Allele origin: not applicable. Not counted in ClinVar's aggregate classification.

Literature cited by the submitters: PubMed 31965079 (cited by Wong Mito Lab, Molecular and Human Genetics, Baylor College of Medicine).